The following is an entry in ClinVar:

ClinVar aggregate classification (germline): Benign. Review status: criteria provided, multiple submitters, no conflicts (2 of 4 stars). 2 submissions from 2 submitters: Benign (2). Last evaluated 2018-06-19.

Allele frequency attached by ClinVar (database versions not stated): gnomAD exomes 0.00601; 1000 Genomes Project 0.05651; gnomAD 0.05704 and 0.06122; 1000 Genomes Project 30x 0.06090; TOPMed 0.06594.
gnomAD v4.1: 12,200 of 707,482 alleles (1.7%); highest among the groups gnomAD compares: African/African-American, 19%; 1,032 homozygotes.

Submissions (2):

GeneDx
Classification: Benign. Last evaluated: 2018-06-19. Review status: criteria provided, single submitter. Criteria: GeneDx Variant Classification (06012015). Collection method: clinical testing. Allele origin: germline. Affected: yes.
Comment: This variant is considered likely benign or benign based on one or more of the following criteria: it is a conservative change, it occurs at a poorly conserved position in the protein, it is predicted to be benign by multiple in silico algorithms, and/or has population frequency not consistent with disease.

Breakthrough Genomics
Classification: Benign. Review status: criteria provided, single submitter. Criteria: ACMG Guidelines, 2015. Collection method: not provided. Allele origin: germline. Inheritance: Autosomal recessive inheritance. Affected: yes.

NM_198576.4(AGRN):c.4106-186C>T

Gene: AGRN (agrin; plus strand). Cytogenetic location: 1p36.33.
Variant type: single nucleotide variant.
Coding change: c.4106-186C>T on transcript NM_198576.4 (MANE Select); 186 bases into the intron before coding-DNA position 4106, C replaced by T.
Molecular consequence: intron variant.
Genome position (GRCh38, 1-based): chr1:1,048,681, C>T. VCF-style: chr1-1048681-C-T. GRCh37 (hg19) VCF-style: chr1-984061-C-T.
Other names: c.4106-186C>T (NM_001305275.2); c.3791-186C>T (NM_001364727.2).
Identifiers: ClinVar variation 678948 (VCV000678948.2), dbSNP rs138543764, ClinGen allele CA16700277.